The following is an entry in ClinVar:

NM_001388453.1(QRICH2):c.5298C>G (p.Gly1766=)

Gene: QRICH2 (glutamine rich 2; minus strand). Cytogenetic location: 17q25.1.
Variant type: single nucleotide variant.
Coding change: c.5298C>G on transcript NM_001388453.1 (MANE Select); coding-DNA position 5298, C replaced by G.
Protein change: p.Gly1766=; no amino-acid change (glycine 1766 retained).
Molecular consequence: synonymous variant. On other transcripts: non-coding transcript variant (1).
Genome position (GRCh38, 1-based): chr17:76,276,735, G>C on the plus strand (C>G on the coding strand, the complement: QRICH2 is on the minus strand). VCF-style: chr17-76276735-G-C. GRCh37 (hg19) VCF-style: chr17-74272816-G-C.
Other names: c.5298C>G, p.Gly1766= (NM_032134.3).
Identifiers: ClinVar variation 3042073 (VCV003042073.2), dbSNP rs151199913, ClinGen allele CA8783161.

ClinVar aggregate classification (germline): Benign (0 of 4 stars; one submission).

Conditions:
QRICH2-related disorder. Also called: QRICH2-related condition.

Allele frequency attached by ClinVar (database versions not stated): ESP Exome Variant Server 0.00092; gnomAD 0.00542; TOPMed 0.00637; ExAC 0.00757; 1000 Genomes Project 0.00759; 1000 Genomes Project 30x 0.00843.
gnomAD v4.1: 4,971 of 1,613,380 alleles (0.31%); highest among the groups gnomAD compares: Admixed American, 4.3%; 97 homozygotes.

Submission:

PreventionGenetics, part of Exact Sciences
Classification: Benign for QRICH2-related condition. Last evaluated: 2019-06-27. Review status: no assertion criteria provided. Collection method: clinical testing. Allele origin: germline.
Comment: This variant is classified as benign based on ACMG/AMP sequence variant interpretation guidelines (Richards et al. 2015 PMID: 25741868, with internal and published modifications).